The following is an entry in ClinVar:

NM_004385.5(VCAN):c.5665A>C (p.Thr1889Pro)

Genes: VCAN (versican; plus strand), VCAN-AS1 (VCAN antisense RNA 1; minus strand). Cytogenetic location: 5q14.3.
Variant type: single nucleotide variant.
Coding change: c.5665A>C on transcript NM_004385.5 (MANE Select); coding-DNA position 5665, A replaced by C.
Protein change: p.Thr1889Pro; replaces threonine 1889 with proline.
Molecular consequence: missense variant. On other transcripts: intron variant (2).
Genome position (GRCh38, 1-based): chr5:83,538,668, A>C. VCF-style: chr5-83538668-A-C. GRCh37 (hg19) VCF-style: chr5-82834487-A-C.
Other names: c.2704A>C, p.Thr902Pro (NM_001164097.2); c.4004-6869A>C (NM_001164098.2); c.1043-6869A>C (NM_001126336.3); short protein forms T1889P, T902P.
Identifiers: ClinVar variation 2985762 (VCV002985762.3), dbSNP rs756853056, ClinGen allele CA3333366.

ClinVar aggregate classification (germline): Uncertain significance (1 of 4 stars; one submission).

Allele frequency attached by ClinVar (database versions not stated): gnomAD exomes below 0.00001; ExAC 0.00001; gnomAD 0.00001; TOPMed 0.00001.
gnomAD v4.1: 6 of 1,614,010 alleles (0.00037%); highest among the groups gnomAD compares: Non-Finnish European, 0.00034%; no homozygotes.

Submission:

Labcorp Genetics (formerly Invitae), Labcorp
Classification: Uncertain significance. Last evaluated: 2023-08-02. Review status: criteria provided, single submitter. Criteria: Invitae Variant Classification Sherloc (09022015). Collection method: clinical testing. Allele origin: germline.
Comment: In summary, the available evidence is currently insufficient to determine the role of this variant in disease. Therefore, it has been classified as a Variant of Uncertain Significance. Algorithms developed to predict the effect of missense changes on protein structure and function output the following: SIFT: "Not Available"; PolyPhen-2: "Benign"; Align-GVGD: "Not Available". The proline amino acid residue is found in multiple mammalian species, which suggests that this missense change does not adversely affect protein function. This variant has not been reported in the literature in individuals affected with VCAN-related conditions. This variant is present in population databases (rs756853056, gnomAD 0.0009%). This sequence change replaces threonine, which is neutral and polar, with proline, which is neutral and non-polar, at codon 1889 of the VCAN protein (p.Thr1889Pro).